The following is an entry in ClinVar:

ClinVar aggregate classification (germline): Uncertain significance (1 of 4 stars; one submission).

Conditions:
Evans syndrome, immunodeficiency, and premature immunosenescence associated with tripeptidyl-peptidase II deficiency. Identifiers: MedGen CN231723. Disease mechanism: loss of function.

Allele frequency attached by ClinVar (database versions not stated): TOPMed below 0.00001.
gnomAD v4.1: 9 of 1,612,872 alleles (0.00056%); highest among the groups gnomAD compares: African/African-American, 0.0013%; no homozygotes.

Submission:

Labcorp Genetics (formerly Invitae), Labcorp
Classification: Uncertain significance for Evans syndrome, immunodeficiency, and premature immunosenescence associated with tripeptidyl-peptidase II deficiency. Last evaluated: 2022-06-27. Review status: criteria provided, single submitter. Criteria: Invitae Variant Classification Sherloc (09022015). Collection method: clinical testing. Allele origin: germline.
Comment: In summary, the available evidence is currently insufficient to determine the role of this variant in disease. Therefore, it has been classified as a Variant of Uncertain Significance. Algorithms developed to predict the effect of missense changes on protein structure and function (SIFT, PolyPhen-2, Align-GVGD) all suggest that this variant is likely to be disruptive. This variant has not been reported in the literature in individuals affected with TPP2-related conditions. This variant is not present in population databases (gnomAD no frequency). This sequence change replaces serine, which is neutral and polar, with cysteine, which is neutral and slightly polar, at codon 711 of the TPP2 protein (p.Ser711Cys).

NM_001330588.2(TPP2):c.2132C>G (p.Ser711Cys)

Gene: TPP2 (tripeptidyl peptidase 2; plus strand). Cytogenetic location: 13q33.1.
Variant type: single nucleotide variant.
Coding change: c.2132C>G on transcript NM_001330588.2 (MANE Select); coding-DNA position 2132, C replaced by G.
Protein change: p.Ser711Cys; replaces serine 711 with cysteine.
Molecular consequence: missense variant. On other transcripts: non-coding transcript variant (1).
Genome position (GRCh38, 1-based): chr13:102,643,333, C>G. VCF-style: chr13-102643333-C-G. GRCh37 (hg19) VCF-style: chr13-103295683-C-G.
Other names: c.2132C>G, p.Ser711Cys (NM_001367947.1, NM_003291.4); short protein forms S711C.
Identifiers: ClinVar variation 1439034 (VCV001439034.4), dbSNP rs1311867975, ClinGen allele CA388494668.